The following is an entry in ClinVar:

ClinVar aggregate classification (germline): Pathogenic. Review status: reviewed by expert panel (3 of 4 stars). 4 submissions from 4 submitters: Pathogenic (1). 3 of the submissions do not count toward it. Last evaluated 2016-10-18.

Conditions:
Hereditary cancer-predisposing syndrome. Also called: Hereditary Cancer Syndrome; Neoplastic Syndromes, Hereditary; Hereditary neoplastic syndrome; Tumor predisposition. Identifiers: Orphanet 140162, MedGen C0027672, MeSH D009386, MONDO:0015356.
Hereditary breast ovarian cancer syndrome. Also called: Hereditary breast and ovarian cancer syndrome (HBOC); Breast and ovarian cancer; Hereditary breast and ovarian cancer syndrome; Hereditary breast and ovarian cancer; BRCA1- and BRCA2-Associated Hereditary Breast and Ovarian Cancer; Hereditary breast and/or ovarian cancer syndrome. Identifiers: Orphanet 145, MedGen C0677776, MeSH D061325, MONDO:0003582. Disease mechanism: loss of function.
Breast-ovarian cancer, familial, susceptibility to, 1 (BROVCA1). Also called: BRCA1 Hereditary Breast and Ovarian Cancer; OVARIAN CANCER, SUSCEPTIBILITY TO. Identifiers: Orphanet 145, MedGen C2676676, MONDO:0011450, OMIM 604370. Disease mechanism: loss of function.

Submissions (4):

Evidence-based Network for the Interpretation of Germline Mutant Alleles (ENIGMA)
Classification: Pathogenic for Breast-ovarian cancer, familial, susceptibility to, 1. Last evaluated: 2016-10-18. Review status: reviewed by expert panel. Criteria: ENIGMA BRCA1/2 Classification Criteria (2015). Collection method: curation. Allele origin: germline.
Comment: Variant allele predicted to encode a truncated non-functional protein.

Labcorp Genetics (formerly Invitae), Labcorp
Classification: Pathogenic for Hereditary breast ovarian cancer syndrome. Last evaluated: 2024-06-23. Review status: criteria provided, single submitter. Criteria: Invitae Variant Classification Sherloc (09022015). Collection method: clinical testing. Allele origin: germline. Not counted in ClinVar's aggregate classification.
Comment: This sequence change creates a premature translational stop signal (p.Thr884Ilefs*18) in the BRCA1 gene. It is expected to result in an absent or disrupted protein product. Loss-of-function variants in BRCA1 are known to be pathogenic (PMID: 20104584). This variant is not present in population databases (gnomAD no frequency). This premature translational stop signal has been observed in individual(s) with hereditary breast and/or ovarian cancer (PMID: 29446198). ClinVar contains an entry for this variant (Variation ID: 266288). For these reasons, this variant has been classified as Pathogenic.

Ambry Genetics
Classification: Pathogenic for Hereditary cancer-predisposing syndrome. Last evaluated: 2017-12-13. Review status: criteria provided, single submitter. Criteria: Ambry Variant Classification Scheme 2023. Collection method: clinical testing. Allele origin: germline. Not counted in ClinVar's aggregate classification.
Comment: The c.2649_2650delAA pathogenic mutation, located in coding exon 9 of the BRCA1 gene, results from a deletion of two nucleotides at nucleotide positions 2649 to 2650, causing a translational frameshift with a predicted alternate stop codon (p.T884Ifs*18). This alteration is expected to result in loss of function by premature protein truncation or nonsense-mediated mRNA decay. As such, this alteration is interpreted as a disease-causing mutation.

Consortium of Investigators of Modifiers of BRCA1/2 (CIMBA), c/o University of Cambridge
Classification: Pathogenic for Breast-ovarian cancer, familial, susceptibility to, 1. Last evaluated: 2015-10-02. Review status: criteria provided, single submitter. Criteria: CIMBA Mutation Classification guidelines May 2016. Collection method: clinical testing. Allele origin: germline. Not counted in ClinVar's aggregate classification.

Literature cited by the submitters: PubMed 20104584 (cited by Labcorp Genetics (formerly Invitae), Labcorp); PubMed 29446198 (cited by Labcorp Genetics (formerly Invitae), Labcorp).

NM_007294.4(BRCA1):c.2649_2650del (p.Thr884fs)

Gene: BRCA1 (BRCA1 DNA repair associated; minus strand). Cytogenetic location: 17q21.31.
Variant type: Deletion.
Coding change: c.2649_2650del on transcript NM_007294.4 (MANE Select); coding-DNA positions 2649 to 2650, 2 bases deleted (AA; older notation c.2649_2650delAA).
Protein change: p.Thr884fs; shifts the reading frame from threonine 884.
Molecular consequence: frameshift variant. On other transcripts: intron variant (137).
Genome position (GRCh38, 1-based): chr17:43,092,881-43,092,882, TT deleted on the plus strand (AA on the coding strand, the reverse complement: BRCA1 is on the minus strand). VCF-style (leftmost placement, unchanged base first): chr17-43092880-GTT-G. GRCh37 (hg19) VCF-style: chr17-41244897-GTT-G.
Other names: 2768delAA-ter903; c.788-743_788-742del (NM_001407968.1, NM_001407969.1); c.578-1850_578-1849del (NM_001408492.1, NM_001408513.1, NM_001408489.1 and 9 more transcripts); c.644-1850_644-1849del (NM_001408468.1, NM_001408465.1, NM_001408463.1 and 3 more transcripts); c.524-1850_524-1849del (NM_001408501.1, NM_001408500.1, NM_001408497.1 and 3 more transcripts); c.647-1850_647-1849del (NM_001408455.1, NM_001408466.1, NM_001408452.1 and 11 more transcripts); c.521-1850_521-1849del (NM_001408503.1, NM_001408505.1, NM_001408504.1); c.788-1850_788-1849del (NM_001407973.1, NM_001408403.1, NM_001407983.1 and 17 more transcripts); and 43 more; short protein forms T837fs, T884fs, T773fs, T817fs, T857fs, T858fs, T588fs, T756fs.
Identifiers: ClinVar variation 266288 (VCV000266288.16), dbSNP rs886040058, ClinGen allele CA10589828.